The following is an entry in ClinVar:

ClinVar aggregate classification (germline): Pathogenic. Review status: criteria provided, multiple submitters, no conflicts (2 of 4 stars). 4 submissions from 4 submitters: Pathogenic (4). Last evaluated 2026-04-14.

Conditions:
Familial intrahepatic cholestasis. Identifiers: Orphanet 284385, MedGen CN296401, MONDO:0017290.
Benign recurrent intrahepatic cholestasis type 2 (BRIC2). Also called: Recurrent familial intrahepatic cholestasis 2. Identifiers: Orphanet 65682, Orphanet 99961, MedGen C2608083, MONDO:0011559, OMIM 605479.

Submissions (4):

Genomenon, Inc
Classification: Pathogenic for Familial intrahepatic cholestasis. Last evaluated: 2026-04-14. Review status: criteria provided, single submitter. Criteria: Genomenon Sequence Variant Interpretation Standards - Updated. Collection method: curation. Allele origin: germline. Affected: yes.
Comment: ABCB11 p.Arg830GlyfsTer28 (c.2488del) is a frameshift variant that results in the production of a truncated protein which is predicted to undergo nonsense-mediated mRNA decay. This variant has been observed in at least one proband with an ABCB11-related disorder (PMID:27050426). It is absent or not present at a significant frequency in gnomAD. In conclusion, we classify ABCB11 p.Arg830GlyfsTer28 (c.2488del) as a pathogenic variant.

Labcorp Genetics (formerly Invitae), Labcorp
Classification: Pathogenic. Last evaluated: 2024-02-23. Review status: criteria provided, single submitter. Criteria: Invitae Variant Classification Sherloc (09022015). Collection method: clinical testing. Allele origin: germline.
Comment: This sequence change creates a premature translational stop signal (p.Arg830Glyfs*28) in the ABCB11 gene. It is expected to result in an absent or disrupted protein product. Loss-of-function variants in ABCB11 are known to be pathogenic (PMID: 18395098, 20232290). This variant is present in population databases (rs756323541, gnomAD 0.006%). This variant has not been reported in the literature in individuals affected with ABCB11-related conditions. ClinVar contains an entry for this variant (Variation ID: 1028652). Algorithms developed to predict the effect of sequence changes on RNA splicing suggest that this variant may create or strengthen a splice site. For these reasons, this variant has been classified as Pathogenic.

Genome-Nilou Lab
Classification: Pathogenic for Benign recurrent intrahepatic cholestasis type 2. Last evaluated: 2021-07-22. Review status: criteria provided, single submitter. Criteria: ACMG Guidelines, 2015. Collection method: clinical testing. Allele origin: germline. Affected: no.

Baylor Genetics
Classification: Pathogenic for Benign recurrent intrahepatic cholestasis type 2. Last evaluated: 2019-02-26. Review status: criteria provided, single submitter. Criteria: ACMG Guidelines, 2015. Collection method: clinical testing. Allele origin: paternal. Affected: yes.
Comment: This variant was determined to be pathogenic according to ACMG Guidelines, 2015 [PMID:25741868]. This variant has been previously reported as disease causing [PMID 27050426]

Literature cited by the submitters: PubMed 27050426 (cited by Genomenon, Inc and Baylor Genetics); PubMed 18395098 (cited by Labcorp Genetics (formerly Invitae), Labcorp); PubMed 20232290 (cited by Labcorp Genetics (formerly Invitae), Labcorp).

NM_003742.4(ABCB11):c.2488del (p.Arg830fs)

Gene: ABCB11 (ATP binding cassette subfamily B member 11; minus strand). Cytogenetic location: 2q31.1.
Variant type: Deletion.
Coding change: c.2488del on transcript NM_003742.4 (MANE Select); coding-DNA position 2488, one base deleted (A; older notation c.2488delA).
Protein change: p.Arg830fs; shifts the reading frame from arginine 830.
Molecular consequence: frameshift variant.
Genome position (GRCh38, 1-based): chr2:168,944,727, T deleted on the plus strand (A on the coding strand, the reverse complement: ABCB11 is on the minus strand); the first of 5 consecutive T bases (chr2:168,944,727-168,944,731); deleting any one gives the same sequence. VCF-style (leftmost placement, unchanged base first): chr2-168944726-CT-C. GRCh37 (hg19) VCF-style: chr2-169801236-CT-C.
Other names: short protein forms R830fs.
Identifiers: ClinVar variation 1028652 (VCV001028652.7), dbSNP rs756323541, ClinGen allele CA1951264.